The following is an entry in ClinVar:

NM_000548.5(TSC2):c.2005C>T (p.Pro669Ser)

Gene: TSC2 (TSC complex subunit 2; plus strand). Cytogenetic location: 16p13.3.
Variant type: single nucleotide variant.
Coding change: c.2005C>T on transcript NM_000548.5 (MANE Select); coding-DNA position 2005, C replaced by T.
Protein change: p.Pro669Ser; replaces proline 669 with serine.
Molecular consequence: missense variant. On other transcripts: non-coding transcript variant (5).
Genome position (GRCh38, 1-based): chr16:2,071,842, C>T. VCF-style: chr16-2071842-C-T. GRCh37 (hg19) VCF-style: chr16-2121843-C-T.
Other names: c.2005C>T, p.Pro669Ser (NM_001077183.3, NM_001114382.3, NM_001363528.2 and 6 more transcripts); c.1894C>T, p.Pro632Ser (NM_001318827.2, NM_001406670.1, NM_001406678.1); c.1858C>T, p.Pro620Ser (NM_001318829.2, NM_001406679.1, NM_001406675.1 and 1 more transcripts); c.1405C>T, p.Pro469Ser (NM_001318831.2, NM_001406680.1, NM_001406682.1 and 6 more transcripts); c.2038C>T, p.Pro680Ser (NM_001318832.2); c.1543C>T, p.Pro515Ser (NM_001406681.1); c.403C>T, p.Pro135Ser (NM_001406698.1); c.2095C>T, p.Pro699Ser (NM_001406667.1, NM_001406668.1); and 3 more; short protein forms P135S, P665S, P469S, P515S, P620S, P632S, P650S, P680S.
Identifiers: ClinVar variation 2564616 (VCV002564616.3), dbSNP rs2151305683, ClinGen allele CA394274452.

ClinVar aggregate classification (germline): Uncertain significance. Review status: criteria provided, multiple submitters, no conflicts (2 of 4 stars). 2 submissions from 2 submitters: Uncertain significance (2). Last evaluated 2025-12-08.

Conditions:
Hereditary cancer-predisposing syndrome. Also called: Neoplastic Syndromes, Hereditary; Hereditary Cancer Syndrome; Tumor predisposition; Hereditary neoplastic syndrome. Identifiers: Orphanet 140162, MedGen C0027672, MeSH D009386, MONDO:0015356.
Tuberous sclerosis 2 (TSC2). Identifiers: Orphanet 805, MedGen C1860707, MONDO:0013199, OMIM 613254.

Allele frequency attached by ClinVar (database versions not stated): gnomAD exomes below 0.00001.
gnomAD v4.1: 1 of 1,586,258 alleles (0.000063%); highest among the groups gnomAD compares: Non-Finnish European, 0.000086%; no homozygotes.

Submissions (2):

Labcorp Genetics (formerly Invitae), Labcorp
Classification: Uncertain significance for Tuberous sclerosis 2. Last evaluated: 2025-12-08. Review status: criteria provided, single submitter. Criteria: Invitae Variant Classification Sherloc (09022015). Collection method: clinical testing. Allele origin: germline.
Comment: This sequence change replaces proline, which is neutral and non-polar, with serine, which is neutral and polar, at codon 669 of the TSC2 protein (p.Pro669Ser). This variant is not present in population databases (gnomAD no frequency). This variant has not been reported in the literature in individuals affected with TSC2-related conditions. ClinVar contains an entry for this variant (Variation ID: 2564616). Invitae Evidence Modeling of protein sequence and biophysical properties (such as structural, functional, and spatial information, amino acid conservation, physicochemical variation, residue mobility, and thermodynamic stability) indicates that this missense variant is not expected to disrupt TSC2 protein function with a negative predictive value of 95%. In summary, the available evidence is currently insufficient to determine the role of this variant in disease. Therefore, it has been classified as a Variant of Uncertain Significance.

Ambry Genetics
Classification: Uncertain significance for Hereditary cancer-predisposing syndrome. Last evaluated: 2023-03-29. Review status: criteria provided, single submitter. Criteria: Ambry Variant Classification Scheme 2023. Collection method: clinical testing. Allele origin: germline.
Comment: The p.P669S variant (also known as c.2005C>T), located in coding exon 18 of the TSC2 gene, results from a C to T substitution at nucleotide position 2005. The proline at codon 669 is replaced by serine, an amino acid with similar properties. This amino acid position is well conserved in available vertebrate species. In addition, this alteration is predicted to be tolerated by in silico analysis. Since supporting evidence is limited at this time, the clinical significance of this alteration remains unclear.